The following is an entry in ClinVar:

ClinVar aggregate classification (germline): Uncertain significance. Review status: criteria provided, multiple submitters, no conflicts (2 of 4 stars). 2 submissions from 2 submitters: Uncertain significance (2). Last evaluated 2023-09-04.

Allele frequency attached by ClinVar (database versions not stated): gnomAD exomes below 0.00001; ExAC 0.00001; TOPMed 0.00001.

Submissions (2):

Blueprint Genetics
Classification: Uncertain significance. Last evaluated: 2023-09-04. Review status: criteria provided, single submitter. Criteria: ACMG Guidelines, 2015. Collection method: clinical testing. Allele origin: germline.

Labcorp Genetics (formerly Invitae), Labcorp
Classification: Uncertain significance. Last evaluated: 2022-10-23. Review status: criteria provided, single submitter. Criteria: Invitae Variant Classification Sherloc (09022015). Collection method: clinical testing. Allele origin: germline.
Comment: This sequence change replaces isoleucine, which is neutral and non-polar, with valine, which is neutral and non-polar, at codon 328 of the CXCR2 protein (p.Ile328Val). This variant is present in population databases (rs746348207, gnomAD 0.003%). This variant has not been reported in the literature in individuals affected with CXCR2-related conditions. Algorithms developed to predict the effect of missense changes on protein structure and function (SIFT, PolyPhen-2, Align-GVGD) all suggest that this variant is likely to be tolerated. In summary, the available evidence is currently insufficient to determine the role of this variant in disease. Therefore, it has been classified as a Variant of Uncertain Significance.

NM_001557.4(CXCR2):c.982A>G (p.Ile328Val)

Gene: CXCR2 (C-X-C motif chemokine receptor 2; plus strand). Cytogenetic location: 2q35.
Variant type: single nucleotide variant.
Coding change: c.982A>G on transcript NM_001557.4 (MANE Select); coding-DNA position 982, A replaced by G.
Protein change: p.Ile328Val; replaces isoleucine 328 with valine.
Molecular consequence: missense variant.
Genome position (GRCh38, 1-based): chr2:218,135,783, A>G. VCF-style: chr2-218135783-A-G. GRCh37 (hg19) VCF-style: chr2-219000506-A-G.
Other names: c.982A>G, p.Ile328Val (NM_001168298.2); short protein forms I328V.
Identifiers: ClinVar variation 1935259 (VCV001935259.3), dbSNP rs746348207, ClinGen allele CA2101825.